The following is an entry in ClinVar:

ClinVar aggregate classification (germline): Uncertain significance. Review status: criteria provided, multiple submitters, no conflicts (2 of 4 stars). 2 submissions from 2 submitters: Uncertain significance (2). Last evaluated 2026-03-12.

Submissions (2):

Women's Health and Genetics/Laboratory Corporation of America, LabCorp
Classification: Uncertain significance. Last evaluated: 2026-03-12. Review status: criteria provided, single submitter. Criteria: LabCorp Variant Classification Summary - May 2015. Collection method: clinical testing. Allele origin: germline.
Comment: Variant summary: RANBP2 c.7010C>T (p.Ala2337Val) results in a non-conservative amino acid change in the encoded protein sequence. Algorithms developed to predict the effect of missense changes on protein structure and function are either unavailable or do not agree on the potential impact of this missense change. The frequency data for this variant in gnomAD is considered unreliable, as metrics indicate poor data quality at this position. To our knowledge, no occurrence of c.7010C>T in individuals affected with RANBP2-related conditions and no experimental evidence demonstrating its impact on protein function have been reported. ClinVar contains an entry for this variant (Variation ID: 4575647). Based on the evidence outlined above, the variant was classified as uncertain significance.

Ambry Genetics
Classification: Uncertain significance. Last evaluated: 2025-11-26. Review status: criteria provided, single submitter. Criteria: Ambry Variant Classification Scheme 2023. Collection method: clinical testing. Allele origin: germline.

NM_006267.5(RANBP2):c.7010C>T (p.Ala2337Val)

Gene: RANBP2 (RAN binding protein 2; plus strand). Cytogenetic location: 2q13.
Variant type: single nucleotide variant.
Coding change: c.7010C>T on transcript NM_006267.5 (MANE Select); coding-DNA position 7010, C replaced by T.
Protein change: p.Ala2337Val; replaces alanine 2337 with valine.
Molecular consequence: missense variant.
Genome position (GRCh38, 1-based): chr2:108,767,549, C>T. VCF-style: chr2-108767549-C-T. GRCh37 (hg19) VCF-style: chr2-109384005-C-T.
Other names: c.7010C>T, p.Ala2337Val (NM_001415871.1, NM_001415873.1); c.7007C>T, p.Ala2336Val (NM_001415872.1); short protein forms A2337V, A2336V.
Identifiers: ClinVar variation 4575647 (VCV004575647.2).